The following is an entry in ClinVar:

NM_003906.5(MCM3AP):c.4826T>A (p.Ile1609Asn)

Genes: MCM3AP (minichromosome maintenance complex component 3 associated protein; minus strand), MCM3AP-AS1 (MCM3AP antisense RNA 1; plus strand). Cytogenetic location: 21q22.3.
Variant type: single nucleotide variant.
Coding change: c.4826T>A on transcript NM_003906.5 (MANE Select); coding-DNA position 4826, T replaced by A.
Protein change: p.Ile1609Asn; replaces isoleucine 1609 with asparagine.
Molecular consequence: missense variant.
Genome position (GRCh38, 1-based): chr21:46,245,019, A>T on the plus strand (T>A on the coding strand, the complement: MCM3AP is on the minus strand). VCF-style: chr21-46245019-A-T. GRCh37 (hg19) VCF-style: chr21-47664933-A-T.
Other names: short protein forms I1609N.
Identifiers: ClinVar variation 1352620 (VCV001352620.5), dbSNP rs756991521, ClinGen allele CA10076004.

ClinVar aggregate classification (germline): Uncertain significance (1 of 4 stars; one submission).

gnomAD v4.1: 17 of 1,614,158 alleles (0.0011%); highest among the groups gnomAD compares: Non-Finnish European, 0.0014%; no homozygotes.

Submission:

Labcorp Genetics (formerly Invitae), Labcorp
Classification: Uncertain significance. Last evaluated: 2022-07-31. Review status: criteria provided, single submitter. Criteria: Invitae Variant Classification Sherloc (09022015). Collection method: clinical testing. Allele origin: germline.
Comment: This sequence change replaces isoleucine, which is neutral and non-polar, with asparagine, which is neutral and polar, at codon 1609 of the MCM3AP protein (p.Ile1609Asn). This variant is present in population databases (rs756991521, gnomAD 0.0009%). This variant has not been reported in the literature in individuals affected with MCM3AP-related conditions. ClinVar contains an entry for this variant (Variation ID: 1352620). Algorithms developed to predict the effect of missense changes on protein structure and function are either unavailable or do not agree on the potential impact of this missense change (SIFT: "Deleterious"; PolyPhen-2: "Possibly Damaging"; Align-GVGD: "Class C0"). In summary, the available evidence is currently insufficient to determine the role of this variant in disease. Therefore, it has been classified as a Variant of Uncertain Significance.